The following is an entry in ClinVar:

NM_000751.3(CHRND):c.1252+1G>A

Gene: CHRND (cholinergic receptor nicotinic delta subunit; plus strand). Cytogenetic location: 2q37.1.
Variant type: single nucleotide variant.
Coding change: c.1252+1G>A on transcript NM_000751.3 (MANE Select); the canonical splice donor site of the intron after coding-DNA position 1252, G replaced by A.
Molecular consequence: splice donor variant.
Genome position (GRCh38, 1-based): chr2:232,534,136, G>A. VCF-style: chr2-232534136-G-A. GRCh37 (hg19) VCF-style: chr2-233398846-G-A.
Other names: c.670+1G>A (NM_001311195.2); c.949+1G>A (NM_001311196.2); c.1207+1G>A (NM_001256657.2).
Identifiers: ClinVar variation 1477166 (VCV001477166.7), dbSNP rs1285705072, ClinGen allele CA351005348.
Genomic context (GRCh38, chr2:232,534,136, plus strand): 5'-ACCTCATGTTCGAGAAGCAGTCAGAGCGGCATGGGCTGGCCAGGCGCCTCACCACTGCAC[G>A]TGGGTCCCCGCTGGTCTTGGTTTTCAGCCCATCTGTGGGAGGTGGGTGGAGGCAGGCCTC-3'

ClinVar aggregate classification (germline): Pathogenic/Likely pathogenic. Review status: criteria provided, multiple submitters, no conflicts (2 of 4 stars). 2 submissions from 2 submitters: Pathogenic (1); Likely pathogenic (1). Last evaluated 2025-09-05.

Conditions:
Lethal multiple pterygium syndrome (LMPS). Identifiers: Orphanet 33108, MedGen C1854678, MONDO:0009668, OMIM 253290.

Allele frequency attached by ClinVar (database versions not stated): TOPMed below 0.00001; gnomAD exomes 0.00001 and below 0.00001; gnomAD 0.00004 and 0.00003.

Submissions (2):

Dasa
Classification: Pathogenic. Last evaluated: 2025-09-05. Review status: criteria provided, single submitter. Criteria: DASA Assertion Criteria. Collection method: clinical testing. Allele origin: germline.
Comment: NM_000751.3(CHRND):c.1252+1G>A introduces a premature termination codon predicted to result in loss of normal protein function. Loss-of-function is an established mechanism of disease for this gene. The variant is present at low frequency in population datasets. Based on the available data, this variant is classified as pathogenic.

Labcorp Genetics (formerly Invitae), Labcorp
Classification: Likely pathogenic for Lethal multiple pterygium syndrome. Last evaluated: 2021-11-27. Review status: criteria provided, single submitter. Criteria: Invitae Variant Classification Sherloc (09022015). Collection method: clinical testing. Allele origin: germline.
Comment: In summary, the currently available evidence indicates that the variant is pathogenic, but additional data are needed to prove that conclusively. Therefore, this variant has been classified as Likely Pathogenic. Algorithms developed to predict the effect of sequence changes on RNA splicing suggest that this variant may disrupt the consensus splice site. Disruption of this splice site has been observed in individual(s) with clinical features of fetal akinesia deformation sequence (Invitae). This variant is present in population databases (no rsID available, gnomAD 0.02%). This sequence change affects a donor splice site in intron 10 of the CHRND gene. It is expected to disrupt RNA splicing. Variants that disrupt the donor or acceptor splice site typically lead to a loss of protein function (PMID: 16199547), and loss-of-function variants in CHRND are known to be pathogenic (PMID: 11435464, 25264167).

Literature cited by the submitters: PubMed 16199547 (cited by Labcorp Genetics (formerly Invitae), Labcorp); PubMed 11435464 (cited by Labcorp Genetics (formerly Invitae), Labcorp); PubMed 25264167 (cited by Labcorp Genetics (formerly Invitae), Labcorp).